The following is an entry in ClinVar:

NM_012309.5(SHANK2):c.3447G>A (p.Thr1149=)

Gene: SHANK2 (SH3 and multiple ankyrin repeat domains 2; minus strand). Cytogenetic location: 11q13.3.
Variant type: single nucleotide variant.
Coding change: c.3447G>A on transcript NM_012309.5 (MANE Select); coding-DNA position 3447, G replaced by A.
Protein change: p.Thr1149=; no amino-acid change (threonine 1149 retained).
Molecular consequence: synonymous variant.
Genome position (GRCh38, 1-based): chr11:70,486,846, C>T on the plus strand (G>A on the coding strand, the complement: SHANK2 is on the minus strand). VCF-style: chr11-70486846-C-T. GRCh37 (hg19) VCF-style: chr11-70332951-C-T.
Other names: c.2310G>A, p.Thr770= (NM_001379226.1); c.1683G>A, p.Thr561= (NM_133266.5).
Identifiers: ClinVar variation 739299 (VCV000739299.28), dbSNP rs140286970, ClinGen allele CA6161119.

ClinVar aggregate classification (germline): Benign/Likely benign. Review status: criteria provided, multiple submitters, no conflicts (2 of 4 stars). 3 submissions from 3 submitters: Benign (2); Likely benign (1). Last evaluated 2026-03-01.

Allele frequency attached by ClinVar (database versions not stated): 1000 Genomes Project 30x 0.00016; gnomAD 0.00018 and 0.00021; TOPMed 0.00025; ESP Exome Variant Server 0.00031; ExAC 0.00033; gnomAD exomes 0.00035.
gnomAD v4.1: 187 of 1,612,702 alleles (0.012%); highest among the groups gnomAD compares: East Asian, 0.21%; 2 homozygotes.

Submissions (3):

CeGaT Center for Human Genetics Tuebingen
Classification: Likely benign. Last evaluated: 2026-03-01. Review status: criteria provided, single submitter. Criteria: CeGaT Center For Human Genetics Tuebingen Variant Classification Criteria Version 2. Collection method: clinical testing. Allele origin: germline. Affected: yes. Observed: 3 variant alleles.
Comment: SHANK2: BP4, BP7, BS1

Labcorp Genetics (formerly Invitae), Labcorp
Classification: Benign. Last evaluated: 2018-05-18. Review status: criteria provided, single submitter. Criteria: Invitae Variant Classification Sherloc (09022015). Collection method: clinical testing. Allele origin: germline.

Breakthrough Genomics
Classification: Benign. Review status: criteria provided, single submitter. Criteria: ACMG Guidelines, 2015. Collection method: not provided. Allele origin: germline. Inheritance: Unknown mechanism. Affected: yes.